The following is an entry in ClinVar:

NM_001164508.2(NEB):c.12218G>A (p.Cys4073Tyr)

Gene: NEB (nebulin; minus strand). Cytogenetic location: 2q23.3.
Variant type: single nucleotide variant.
Coding change: c.12218G>A on transcript NM_001164508.2 (MANE Select); coding-DNA position 12218, G replaced by A.
Protein change: p.Cys4073Tyr; replaces cysteine 4073 with tyrosine.
Molecular consequence: missense variant.
Genome position (GRCh38, 1-based): chr2:151,609,921, C>T on the plus strand (G>A on the coding strand, the complement: NEB is on the minus strand). VCF-style: chr2-151609921-C-T. GRCh37 (hg19) VCF-style: chr2-152466435-C-T.
Other names: c.12218G>A, p.Cys4073Tyr (NM_001164507.2, NM_001271208.2); c.11489G>A, p.Cys3830Tyr (NM_004543.5); short protein forms C3830Y, C4073Y.
Identifiers: ClinVar variation 2011146 (VCV002011146.4), dbSNP rs1316221324, ClinGen allele CA348777130.
Genomic context (GRCh38, chr2:151,609,921, plus strand): 5'-GGCATGCATGTCCATTCATGCAGGTAATTGCGATAATCAATGTCAGTGACCAAAGTCTGA[C>T]ATTTCTTGGCCAGCAAGATGCTTAACATGTCCACTGGGCTAGAGAACTTGGTTTTCCACT-3'
Protein context (NP_001157980.2, residues 4063-4083): DMLSILLAKK[Cys4073Tyr]QTLVTDIDYR

ClinVar aggregate classification (germline): Uncertain significance (1 of 4 stars; one submission).

Conditions:
Nemaline myopathy 2 (NEM2). Also called: Nemaline myopathy 2, autosomal recessive. Identifiers: MedGen C1850569, MONDO:0009725, OMIM 256030.

Submission:

Labcorp Genetics (formerly Invitae), Labcorp
Classification: Uncertain significance for Nemaline myopathy 2. Last evaluated: 2022-06-27. Review status: criteria provided, single submitter. Criteria: Invitae Variant Classification Sherloc (09022015). Collection method: clinical testing. Allele origin: germline.
Comment: In summary, the available evidence is currently insufficient to determine the role of this variant in disease. Therefore, it has been classified as a Variant of Uncertain Significance. Algorithms developed to predict the effect of missense changes on protein structure and function are either unavailable or do not agree on the potential impact of this missense change (SIFT: "Deleterious"; PolyPhen-2: "Not Available"; Align-GVGD: "Class C0"). This variant has not been reported in the literature in individuals affected with NEB-related conditions. This variant is not present in population databases (gnomAD no frequency). This sequence change replaces cysteine, which is neutral and slightly polar, with tyrosine, which is neutral and polar, at codon 4073 of the NEB protein (p.Cys4073Tyr).